The following is an entry in ClinVar:

ClinVar aggregate classification (germline): Benign/Likely benign. Review status: criteria provided, multiple submitters, no conflicts (2 of 4 stars). 2 submissions from 2 submitters: Benign (1); Likely benign (1). Last evaluated 2024-11-27.

Allele frequency attached by ClinVar (database versions not stated): ExAC 0.00103; gnomAD 0.00167; TOPMed 0.00235; 1000 Genomes Project 0.00260; 1000 Genomes Project 30x 0.00328.
gnomAD v4.1: 1,238 of 1,535,596 alleles (0.081%); highest among the groups gnomAD compares: Admixed American, 1.2%; 10 homozygotes.

Submissions (2):

Blueprint Genetics
Classification: Likely benign. Last evaluated: 2024-11-27. Review status: criteria provided, single submitter. Criteria: ACMG Guidelines, 2015. Collection method: clinical testing. Allele origin: germline.

CeGaT Center for Human Genetics Tuebingen
Classification: Benign. Last evaluated: 2022-12-01. Review status: criteria provided, single submitter. Criteria: CeGaT Center For Human Genetics Tuebingen Variant Classification Criteria Version 2. Collection method: clinical testing. Allele origin: germline. Affected: yes. Observed: 1 variant allele.
Comment: PIP5K1C: BP4, BP7, BS1, BS2

NM_012398.3(PIP5K1C):c.1920+1372C>T

Gene: PIP5K1C (phosphatidylinositol-4-phosphate 5-kinase type 1 gamma; minus strand). Cytogenetic location: 19p13.3.
Variant type: single nucleotide variant.
Coding change: c.1920+1372C>T on transcript NM_012398.3 (MANE Select); 1372 bases into the intron after coding-DNA position 1920, C replaced by T.
Molecular consequence: intron variant. On other transcripts: synonymous variant (1).
Genome position (GRCh38, 1-based): chr19:3,637,512, G>A on the plus strand (C>T on the coding strand, the complement: PIP5K1C is on the minus strand). VCF-style: chr19-3637512-G-A. GRCh37 (hg19) VCF-style: chr19-3637510-G-A.
Other names: c.2022C>T, p.Pro674= (NM_001300849.2); c.1920+1372C>T (NM_001195733.2).
Identifiers: ClinVar variation 2649004 (VCV002649004.25), dbSNP rs567109747, ClinGen allele CA9081956.
Genomic context (GRCh38, chr19:3,637,512, plus strand): 5'-AGCTTCCGGCCGGGGACCTGCGGCTCCCTGCTGCCCGAGGGGCACTGCCCCTTCTCCCCA[G>A]GGTGGCCGGCTGCGGTCACTTACAGTCCCCGAGGCGCTCAGCGTCACGGCCCGCAGTCGG-3'